The following is an entry in ClinVar:

ClinVar aggregate classification (germline): Uncertain significance (1 of 4 stars; one submission).

Allele frequency attached by ClinVar (database versions not stated): gnomAD exomes 0.00001; ExAC 0.00004.
gnomAD v4.1: 15 of 1,613,170 alleles (0.00093%); highest among the groups gnomAD compares: South Asian, 0.016%; no homozygotes.

Submission:

Labcorp Genetics (formerly Invitae), Labcorp
Classification: Uncertain significance. Last evaluated: 2022-08-03. Review status: criteria provided, single submitter. Criteria: Invitae Variant Classification Sherloc (09022015). Collection method: clinical testing. Allele origin: germline.
Comment: In summary, the available evidence is currently insufficient to determine the role of this variant in disease. Therefore, it has been classified as a Variant of Uncertain Significance. Algorithms developed to predict the effect of sequence changes on RNA splicing suggest that this variant may create or strengthen a splice site. This variant has not been reported in the literature in individuals affected with ITPR1-related conditions. This variant is present in population databases (rs745742591, gnomAD 0.02%). This sequence change affects codon 979 of the ITPR1 mRNA. It is a 'silent' change, meaning that it does not change the encoded amino acid sequence of the ITPR1 protein.

NM_001378452.1(ITPR1):c.3009C>T (p.Leu1003=)

Gene: ITPR1 (inositol 1,4,5-trisphosphate receptor type 1; plus strand). Cytogenetic location: 3p26.1.
Variant type: single nucleotide variant.
Coding change: c.3009C>T on transcript NM_001378452.1 (MANE Select); coding-DNA position 3009, C replaced by T.
Protein change: p.Leu1003=; no amino-acid change (leucine 1003 retained).
Molecular consequence: synonymous variant.
Genome position (GRCh38, 1-based): chr3:4,680,594, C>T. VCF-style: chr3-4680594-C-T. GRCh37 (hg19) VCF-style: chr3-4722278-C-T.
Other names: c.2982C>T, p.Leu994= (NM_001099952.4); c.2964C>T, p.Leu988= (NM_001168272.2); c.2937C>T, p.Leu979= (NM_002222.7).
Identifiers: ClinVar variation 1964659 (VCV001964659.5), dbSNP rs745742591, ClinGen allele CA2231574.